The following is an entry in ClinVar:

ClinVar aggregate classification (germline): Pathogenic (0 of 4 stars; one submission).

Conditions:
BBS1-related disorder. Also called: BBS1-related condition.

Submission:

PreventionGenetics, part of Exact Sciences
Classification: Pathogenic for BBS1-related condition. Last evaluated: 2023-10-26. Review status: no assertion criteria provided. Collection method: clinical testing. Allele origin: germline.
Comment: The BBS1 c.1248dupT variant is predicted to result in a frameshift and premature protein termination (p.Pro417Serfs*84). To our knowledge, this variant has not been reported in the literature or in a large population database, indicating this variant is rare. Frameshift variants in BBS1 are expected to be pathogenic. Therefore we interpret this variant as pathogenic.

NM_024649.5(BBS1):c.1248dup (p.Pro417fs)

Genes: BBS1 (Bardet-Biedl syndrome 1; plus strand), ZDHHC24 (zDHHC palmitoyltransferase 24; minus strand). Cytogenetic location: 11q13.2.
Variant type: Duplication.
Coding change: c.1248dup on transcript NM_024649.5 (MANE Select); coding-DNA position 1248, one base duplicated (T; older notation c.1248dupT).
Protein change: p.Pro417fs; shifts the reading frame from proline 417.
Molecular consequence: frameshift variant. On other transcripts: intron variant (1).
Genome position (GRCh38, 1-based): chr11:66,526,716, T duplicated. VCF-style (leftmost placement, unchanged base first): chr11-66526715-G-GT. GRCh37 (hg19) VCF-style: chr11-66294186-G-GT.
Other names: c.*21+220dup (NM_001348571.2); short protein forms P417fs.
Identifiers: ClinVar variation 3349943 (VCV003349943.1).